The following is an entry in ClinVar:

NM_006904.7(PRKDC):c.11893C>T (p.Arg3965Cys)

Gene: PRKDC (protein kinase, DNA-activated, catalytic subunit; minus strand). Cytogenetic location: 8q11.21.
Variant type: single nucleotide variant.
Coding change: c.11893C>T on transcript NM_006904.7 (MANE Select); coding-DNA position 11893, C replaced by T.
Protein change: p.Arg3965Cys; replaces arginine 3965 with cysteine.
Molecular consequence: missense variant.
Genome position (GRCh38, 1-based): chr8:47,777,835, G>A on the plus strand (C>T on the coding strand, the complement: PRKDC is on the minus strand). VCF-style: chr8-47777835-G-A. GRCh37 (hg19) VCF-style: chr8-48690396-G-A.
Other names: c.11800C>T, p.Arg3934Cys (NM_001081640.2); short protein forms R3934C, R3965C.
Identifiers: ClinVar variation 1501143 (VCV001501143.3), dbSNP rs775955634, ClinGen allele CA4738962.
Genomic context (GRCh38, chr8:47,777,835, plus strand): 5'-CCATGATGCTGTACATAAGGCCCGTTTCTTTCATTGGTAACATCAGATTGATAAACTGGC[G>A]AGTTAGCCGAAAAGGCATCAACTCAGGGACTGGCAGAAACTAAACAAGAAAAAAGGCAAG-3'
Protein context (NP_008835.5, residues 3955-3975): VPELMPFRLT[Arg3965Cys]QFINLMLPMK

ClinVar aggregate classification (germline): Uncertain significance (1 of 4 stars; one submission).

Conditions:
Severe combined immunodeficiency due to DNA-PKcs deficiency. Also called: IMMUNODEFICIENCY 26 WITH NEUROLOGIC ABNORMALITIES; Immunodeficiency 26 with or without neurologic abnormalities. Identifiers: Orphanet 317425, MedGen C4014833, MONDO:0014423, OMIM 615966.

Allele frequency attached by ClinVar (database versions not stated): gnomAD 0.00001 and 0.00002; ExAC 0.00002; gnomAD exomes 0.00002; TOPMed 0.00002.
gnomAD v4.1: 88 of 1,613,978 alleles (0.0055%); highest among the groups gnomAD compares: Non-Finnish European, 0.0071%; no homozygotes.

Submission:

Labcorp Genetics (formerly Invitae), Labcorp
Classification: Uncertain significance for Severe combined immunodeficiency due to DNA-PKcs deficiency. Last evaluated: 2022-08-19. Review status: criteria provided, single submitter. Criteria: Invitae Variant Classification Sherloc (09022015). Collection method: clinical testing. Allele origin: germline.
Comment: This sequence change replaces arginine with cysteine at codon 3965 of the PRKDC protein (p.Arg3965Cys). The arginine residue is moderately conserved and there is a large physicochemical difference between arginine and cysteine. This variant is present in population databases (rs775955634, gnomAD 0.004%). This variant has not been reported in the literature in individuals affected with PRKDC-related conditions. ClinVar contains an entry for this variant (Variation ID: 1501143). Experimental studies and prediction algorithms are not available or were not evaluated, and the functional significance of this variant is currently unknown. In summary, the available evidence is currently insufficient to determine the role of this variant in disease. Therefore, it has been classified as a Variant of Uncertain Significance.